The following is an entry in ClinVar:

ClinVar aggregate classification (germline): Uncertain significance (1 of 4 stars; one submission).

gnomAD v4.1: 1 of 1,511,306 alleles (0.000066%); highest among the groups gnomAD compares: African/African-American, 0.0014%; no homozygotes.

Submission:

Labcorp Genetics (formerly Invitae), Labcorp
Classification: Uncertain significance. Last evaluated: 2022-10-19. Review status: criteria provided, single submitter. Criteria: Invitae Variant Classification Sherloc (09022015). Collection method: clinical testing. Allele origin: germline.
Comment: In summary, the available evidence is currently insufficient to determine the role of this variant in disease. Therefore, it has been classified as a Variant of Uncertain Significance. This variant has not been reported in the literature in individuals affected with PRPF4-related conditions. This variant is not present in population databases (gnomAD no frequency). This variant occurs in a non-coding region of the PRPF4 gene. It does not change the encoded amino acid sequence of the PRPF4 protein.

NM_001244926.2(PRPF4):c.-83C>G

Gene: PRPF4 (pre-mRNA splicing tri-snRNP complex factor PRPF4; plus strand). Cytogenetic location: 9q32.
Variant type: single nucleotide variant.
Coding change: c.-83C>G on transcript NM_001244926.2 (MANE Select); 83 bases upstream of the start codon, C replaced by G.
Molecular consequence: 5 prime UTR variant. On other transcripts: non-coding transcript variant (2).
Genome position (GRCh38, 1-based): chr9:113,275,661, C>G. VCF-style: chr9-113275661-C-G. GRCh37 (hg19) VCF-style: chr9-116037941-C-G.
Other names: c.-848C>G (NM_001322266.2); c.-851C>G (NM_001322267.2); c.-83C>G (NM_004697.5).
Identifiers: ClinVar variation 2036222 (VCV002036222.4), dbSNP rs2490775636, ClinGen allele CA2580079430.